The following is an entry in ClinVar:

NM_001378452.1(ITPR1):c.3272A>G (p.Gln1091Arg)

Gene: ITPR1 (inositol 1,4,5-trisphosphate receptor type 1; plus strand). Cytogenetic location: 3p26.1.
Variant type: single nucleotide variant.
Coding change: c.3272A>G on transcript NM_001378452.1 (MANE Select); coding-DNA position 3272, A replaced by G.
Protein change: p.Gln1091Arg; replaces glutamine 1091 with arginine.
Molecular consequence: missense variant.
Genome position (GRCh38, 1-based): chr3:4,683,496, A>G. VCF-style: chr3-4683496-A-G. GRCh37 (hg19) VCF-style: chr3-4725180-A-G.
Other names: c.3245A>G, p.Gln1082Arg (NM_001099952.4); c.3227A>G, p.Gln1076Arg (NM_001168272.2); c.3200A>G, p.Gln1067Arg (NM_002222.7); short protein forms Q1067R, Q1076R, Q1082R, Q1091R.
Identifiers: ClinVar variation 1683812 (VCV001683812.2), dbSNP rs2125232682, ClinGen allele CA351650727.

ClinVar aggregate classification (germline): Uncertain significance (1 of 4 stars; one submission).

Submission:

GeneDx
Classification: Uncertain significance. Last evaluated: 2021-11-01. Review status: criteria provided, single submitter. Criteria: GeneDx Variant Classification Process June 2021. Collection method: clinical testing. Allele origin: germline. Affected: yes.
Comment: Not observed at significant frequency in large population cohorts (gnomAD); In silico analysis supports that this missense variant does not alter protein structure/function; Has not been previously published as pathogenic or benign to our knowledge